The following is an entry in ClinVar:

ClinVar aggregate classification (germline): Pathogenic (1 of 4 stars; one submission).

Conditions:
Baller-Gerold syndrome (BGS). Also called: CRANIOSYNOSTOSIS WITH RADIAL DEFECTS. Identifiers: Orphanet 1225, MedGen C0265308, MONDO:0009039, OMIM 218600.

Allele frequency attached by ClinVar (database versions not stated): gnomAD exomes below 0.00001.

Submission:

Labcorp Genetics (formerly Invitae), Labcorp
Classification: Pathogenic for Baller-Gerold syndrome. Last evaluated: 2025-07-03. Review status: criteria provided, single submitter. Criteria: Invitae Variant Classification Sherloc (09022015). Collection method: clinical testing. Allele origin: germline.
Comment: This sequence change creates a premature translational stop signal (p.Gln461Argfs*97) in the RECQL4 gene. It is expected to result in an absent or disrupted protein product. Loss-of-function variants in RECQL4 are known to be pathogenic (PMID: 12734318, 12952869). This variant is present in population databases (no rsID available, gnomAD 0.003%). This variant has not been reported in the literature in individuals affected with RECQL4-related conditions. ClinVar contains an entry for this variant (Variation ID: 1454615). For these reasons, this variant has been classified as Pathogenic.

Literature cited by the submitters: PubMed 12734318; PubMed 12952869.

NM_004260.4(RECQL4):c.1382del (p.Gln461fs)

Gene: RECQL4 (RecQ like helicase 4; minus strand). Cytogenetic location: 8q24.3.
Variant type: Deletion.
Coding change: c.1382del on transcript NM_004260.4 (MANE Select); coding-DNA position 1382, one base deleted (A; older notation c.1382delA).
Protein change: p.Gln461fs; shifts the reading frame from glutamine 461.
Molecular consequence: frameshift variant.
Genome position (GRCh38, 1-based): chr8:144,515,334, T deleted on the plus strand (A on the coding strand, the reverse complement: RECQL4 is on the minus strand). VCF-style (leftmost placement, unchanged base first): chr8-144515333-CT-C. GRCh37 (hg19) VCF-style: chr8-145740717-CT-C.
Other names: short protein forms Q461fs.
Identifiers: ClinVar variation 1454615 (VCV001454615.6), dbSNP rs1564802842, ClinGen allele CA586165510.